The following is an entry in ClinVar:

ClinVar aggregate classification (germline): Uncertain significance. Review status: criteria provided, multiple submitters, no conflicts (2 of 4 stars). 2 submissions from 2 submitters: Uncertain significance (2). Last evaluated 2024-11-27.

Conditions:
Progressive myoclonic epilepsy type 9. Identifiers: Orphanet 457265, MedGen C4225289, MONDO:0014685, OMIM 616540.
Lipodystrophy, partial, acquired, susceptibility to (APLD). Also called: APLD, SUSCEPTIBILITY TO. Identifiers: MedGen C3887501, MONDO:0100476, OMIM 608709.

gnomAD v4.1: 4 of 1,609,892 alleles (0.00025%); highest among the groups gnomAD compares: Admixed American, 0.005%; no homozygotes.

Submissions (2):

Ambry Genetics
Classification: Uncertain significance. Last evaluated: 2024-11-27. Review status: criteria provided, single submitter. Criteria: Ambry Variant Classification Scheme 2023. Collection method: clinical testing. Allele origin: germline.

Labcorp Genetics (formerly Invitae), Labcorp
Classification: Uncertain significance for Progressive myoclonic epilepsy type 9; Lipodystrophy, partial, acquired, susceptibility to. Last evaluated: 2024-11-09. Review status: criteria provided, single submitter. Criteria: Invitae Variant Classification Sherloc (09022015). Collection method: clinical testing. Allele origin: germline.
Comment: This sequence change replaces arginine, which is basic and polar, with leucine, which is neutral and non-polar, at codon 438 of the LMNB2 protein (p.Arg438Leu). The frequency data for this variant in the population databases is considered unreliable, as metrics indicate poor data quality at this position in the gnomAD database. This variant has not been reported in the literature in individuals affected with LMNB2-related conditions. Invitae Evidence Modeling of protein sequence and biophysical properties (such as structural, functional, and spatial information, amino acid conservation, physicochemical variation, residue mobility, and thermodynamic stability) indicates that this missense variant is not expected to disrupt LMNB2 protein function with a negative predictive value of 80%. In summary, the available evidence is currently insufficient to determine the role of this variant in disease. Therefore, it has been classified as a Variant of Uncertain Significance.

NM_032737.4(LMNB2):c.1313G>T (p.Arg438Leu)

Gene: LMNB2 (lamin B2; minus strand). Cytogenetic location: 19p13.3.
Variant type: single nucleotide variant.
Coding change: c.1313G>T on transcript NM_032737.4 (MANE Select); coding-DNA position 1313, G replaced by T.
Protein change: p.Arg438Leu; replaces arginine 438 with leucine.
Molecular consequence: missense variant.
Genome position (GRCh38, 1-based): chr19:2,433,995, C>A on the plus strand (G>T on the coding strand, the complement: LMNB2 is on the minus strand). VCF-style: chr19-2433995-C-A. GRCh37 (hg19) VCF-style: chr19-2433993-C-A.
Other names: short protein forms R438L.
Identifiers: ClinVar variation 3538750 (VCV003538750.3).